The following is an entry in ClinVar:

ClinVar aggregate classification (germline): Uncertain significance (1 of 4 stars; one submission).

Conditions:
Juvenile polyposis syndrome (JPS). Identifiers: Orphanet 2929, MedGen C0345893, MONDO:0017380, OMIM 174900.

Submission:

Labcorp Genetics (formerly Invitae), Labcorp
Classification: Uncertain significance for Juvenile polyposis syndrome. Last evaluated: 2023-07-07. Review status: criteria provided, single submitter. Criteria: Invitae Variant Classification Sherloc (09022015). Collection method: clinical testing. Allele origin: germline.
Comment: Advanced modeling of protein sequence and biophysical properties (such as structural, functional, and spatial information, amino acid conservation, physicochemical variation, residue mobility, and thermodynamic stability) has been performed at Invitae for this missense variant, however the output from this modeling did not meet the statistical confidence thresholds required to predict the impact of this variant on SMAD4 protein function. In summary, the available evidence is currently insufficient to determine the role of this variant in disease. Therefore, it has been classified as a Variant of Uncertain Significance. This variant has not been reported in the literature in individuals affected with SMAD4-related conditions. This variant is not present in population databases (gnomAD no frequency). This sequence change replaces proline, which is neutral and non-polar, with threonine, which is neutral and polar, at codon 295 of the SMAD4 protein (p.Pro295Thr).

NM_005359.6(SMAD4):c.883C>A (p.Pro295Thr)

Gene: SMAD4 (SMAD family member 4; plus strand). Cytogenetic location: 18q21.2.
Variant type: single nucleotide variant.
Coding change: c.883C>A on transcript NM_005359.6 (MANE Select); coding-DNA position 883, C replaced by A.
Protein change: p.Pro295Thr; replaces proline 295 with threonine.
Molecular consequence: missense variant. On other transcripts: non-coding transcript variant (2).
Genome position (GRCh38, 1-based): chr18:51,058,435, C>A. VCF-style: chr18-51058435-C-A. GRCh37 (hg19) VCF-style: chr18-48584805-C-A.
Other names: c.883C>A, p.Pro295Thr (NM_001407041.1, NM_001407042.1, NM_001407043.1); short protein forms P295T.
Identifiers: ClinVar variation 2737406 (VCV002737406.3), dbSNP rs1167543544, ClinGen allele CA402463578.